The following is an entry in ClinVar:

NM_001903.5(CTNNA1):c.2646T>G (p.Ile882Met)

Gene: CTNNA1 (catenin alpha 1; plus strand). Cytogenetic location: 5q31.2.
Variant type: single nucleotide variant.
Coding change: c.2646T>G on transcript NM_001903.5 (MANE Select); coding-DNA position 2646, T replaced by G.
Protein change: p.Ile882Met; replaces isoleucine 882 with methionine.
Molecular consequence: missense variant. On other transcripts: 3 prime UTR variant (5).
Genome position (GRCh38, 1-based): chr5:138,934,014, T>G. VCF-style: chr5-138934014-T-G. GRCh37 (hg19) VCF-style: chr5-138269703-T-G.
Other names: c.2646T>G (NM_001903.2); c.*191T>G (NM_001290307.3, NM_001324002.1, NM_001324003.1 and 2 more transcripts); c.2337T>G, p.Ile779Met (NM_001290309.3); c.2277T>G, p.Ile759Met (NM_001290310.3); c.1536T>G, p.Ile512Met (NM_001290312.1, NM_001323987.1, NM_001323988.1 and 12 more transcripts); c.2646T>G, p.Ile882Met (NM_001323982.2, NM_001323983.1, NM_001323984.2); c.2619T>G, p.Ile873Met (NM_001323985.2); c.2553T>G, p.Ile851Met (NM_001323986.2); and 4 more; short protein forms I399M, I431M, I467M, I481M, I512M, I759M, I779M, I851M.
Identifiers: ClinVar variation 3621839 (VCV003621839.3).

ClinVar aggregate classification (germline): Conflicting classifications of pathogenicity. Review status: criteria provided, conflicting classifications (1 of 4 stars). 2 submissions from 2 submitters: Uncertain significance (1); Likely benign (1). Last evaluated 2025-03-27.

Conditions:
Hereditary cancer-predisposing syndrome. Also called: Tumor predisposition; Hereditary neoplastic syndrome; Neoplastic Syndromes, Hereditary; Hereditary Cancer Syndrome. Identifiers: Orphanet 140162, MedGen C0027672, MeSH D009386, MONDO:0015356.

Submissions (2):

Ambry Genetics
Classification: Likely benign for Hereditary cancer-predisposing syndrome. Last evaluated: 2025-03-27. Review status: criteria provided, single submitter. Criteria: Ambry Variant Classification Scheme 2023. Collection method: clinical testing. Allele origin: germline.

Labcorp Genetics (formerly Invitae), Labcorp
Classification: Uncertain significance. Last evaluated: 2024-07-01. Review status: criteria provided, single submitter. Criteria: Invitae Variant Classification Sherloc (09022015). Collection method: clinical testing. Allele origin: germline.
Comment: This sequence change replaces isoleucine, which is neutral and non-polar, with methionine, which is neutral and non-polar, at codon 882 of the CTNNA1 protein (p.Ile882Met). This variant is not present in population databases (gnomAD no frequency). This variant has not been reported in the literature in individuals affected with CTNNA1-related conditions. Advanced modeling of protein sequence and biophysical properties (such as structural, functional, and spatial information, amino acid conservation, physicochemical variation, residue mobility, and thermodynamic stability) performed at Invitae indicates that this missense variant is not expected to disrupt CTNNA1 protein function with a negative predictive value of 80%. In summary, the available evidence is currently insufficient to determine the role of this variant in disease. Therefore, it has been classified as a Variant of Uncertain Significance.